The following is an entry in ClinVar:

NM_020549.5(CHAT):c.1135G>C (p.Asp379His)

Gene: CHAT (choline O-acetyltransferase; plus strand). Cytogenetic location: 10q11.23.
Variant type: single nucleotide variant.
Coding change: c.1135G>C on transcript NM_020549.5 (MANE Select); coding-DNA position 1135, G replaced by C.
Protein change: p.Asp379His; replaces aspartic acid 379 with histidine.
Molecular consequence: missense variant.
Genome position (GRCh38, 1-based): chr10:49,646,528, G>C. VCF-style: chr10-49646528-G-C. GRCh37 (hg19) VCF-style: chr10-50854574-G-C.
Other names: c.781G>C, p.Asp261His (NM_001142929.2, NM_001142934.2, NM_020984.4 and 2 more transcripts); c.889G>C, p.Asp297His (NM_001142933.2); short protein forms D261H, D379H, D297H.
Identifiers: ClinVar variation 261327 (VCV000261327.19), dbSNP rs115212829, ClinGen allele CA5497395.
Genomic context (GRCh38, chr10:49,646,528, plus strand): 5'-GGGACAGGTGCTAGGGCTGTGCCTGCCTCCCCTGCAGACTCCACCAACCGGGACTCGCTG[G>C]ACATGATTGAGCGCTGCATCTGCCTTGTATGCCTGGACGCGCCAGGAGGCGTGGAGCTCA-3'
Protein context (NP_065574.4, residues 369-389): VKDSTNRDSL[Asp379His]MIERCICLVC

ClinVar aggregate classification (germline): Benign/Likely benign. Review status: criteria provided, multiple submitters, no conflicts (2 of 4 stars). 4 submissions from 4 submitters: Benign (2); Likely benign (2). Last evaluated 2026-01-31.

Conditions:
Familial infantile myasthenia (CMS6). Also called: MYASTHENIC SYNDROME, PRESYNAPTIC, CONGENITAL, ASSOCIATED WITH EPISODIC APNEA; MYASTHENIC SYNDROME, CONGENITAL, 6, PRESYNAPTIC; Congenital myasthenic syndrome type 6. Identifiers: Orphanet 590, MedGen C0393929, MONDO:0009689, OMIM 254210.

Allele frequency attached by ClinVar (database versions not stated): gnomAD exomes 0.00062 and 0.00026; gnomAD 0.00278 and 0.00296; 1000 Genomes Project 30x 0.00375; ExAC 0.00082; 1000 Genomes Project 0.00359; ESP Exome Variant Server 0.00292; TOPMed 0.00311.
gnomAD v4.1: 836 of 1,614,242 alleles (0.052%); highest among the groups gnomAD compares: African/African-American, 0.92%; 5 homozygotes.

Submissions (4):

Labcorp Genetics (formerly Invitae), Labcorp
Classification: Likely benign for Familial infantile myasthenia. Last evaluated: 2026-01-31. Review status: criteria provided, single submitter. Criteria: Invitae Variant Classification Sherloc (09022015). Collection method: clinical testing. Allele origin: germline.

GeneDx
Classification: Likely benign. Last evaluated: 2021-06-07. Review status: criteria provided, single submitter. Criteria: GeneDx Variant Classification Process June 2021. Collection method: clinical testing. Allele origin: germline. Affected: yes.
Comment: This variant is associated with the following publications: (PMID: 26582918)

Eurofins Ntd Llc (ga)
Classification: Benign. Last evaluated: 2015-07-29. Review status: criteria provided, single submitter. Criteria: EGL Classification Definitions 2015. Collection method: clinical testing. Allele origin: germline. Observed: 1 variant allele, 1 heterozygote.

PreventionGenetics, part of Exact Sciences
Classification: Benign. Review status: criteria provided, single submitter. Criteria: ACMG Guidelines, 2015. Collection method: clinical testing. Allele origin: germline.